The following is an entry in ClinVar:

ClinVar aggregate classification (germline): Uncertain significance. Review status: criteria provided, multiple submitters, no conflicts (2 of 4 stars). 3 submissions from 3 submitters: Uncertain significance (3). Last evaluated 2025-08-31.

Conditions:
Developmental and epileptic encephalopathy, 42 (DEE42A). Also called: Epileptic encephalopathy, early infantile, 42; DEVELOPMENTAL AND EPILEPTIC ENCEPHALOPATHY 42A; EPILEPTIC ENCEPHALOPATHY, EARLY INFANTILE, 42A. Identifiers: MedGen C4310716, MONDO:0014917, OMIM 617106.
Episodic ataxia type 2 (EA2). Also called: CEREBELLAR ATAXIA, PAROXYSMAL, ACETAZOLAMIDE-RESPONSIVE; CEREBELLOPATHY, HEREDITARY PAROXYSMAL; EPISODIC ATAXIA, NYSTAGMUS-ASSOCIATED; ATAXIA, EPISODIC, WITH NYSTAGMUS; ATAXIA, FAMILIAL PAROXYSMAL; ACETAZOLAMIDE-RESPONSIVE HEREDITARY PAROXYSMAL CEREBELLAR ATAXIA. Identifiers: Orphanet 97, MedGen C1720416, MONDO:0007163, OMIM 108500.

Allele frequency attached by ClinVar (database versions not stated): TOPMed 0.00001.
gnomAD v4.1: 32 of 1,573,814 alleles (0.002%); highest among the groups gnomAD compares: Admixed American, 0.0034%; no homozygotes.

Submissions (3):

Labcorp Genetics (formerly Invitae), Labcorp
Classification: Uncertain significance for Developmental and epileptic encephalopathy, 42; Episodic ataxia type 2. Last evaluated: 2025-08-31. Review status: criteria provided, single submitter. Criteria: Invitae Variant Classification Sherloc (09022015). Collection method: clinical testing. Allele origin: germline.
Comment: This sequence change falls in intron 46 of the CACNA1A gene. It does not directly change the encoded amino acid sequence of the CACNA1A protein. It affects a nucleotide within the consensus splice site. This variant is present in population databases (no rsID available, gnomAD 0.003%). This variant has been observed in individual(s) with clinical features of CACNA1A-related conditions (PMID: 29926469). ClinVar contains an entry for this variant (Variation ID: 645212). Variants that disrupt the consensus splice site are a relatively common cause of aberrant splicing (PMID: 17576681, 9536098). Algorithms developed to predict the effect of sequence changes on RNA splicing suggest that this variant is not likely to affect RNA splicing. In summary, the available evidence is currently insufficient to determine the role of this variant in disease. Therefore, it has been classified as a Variant of Uncertain Significance.

Mayo Clinic Laboratories, Mayo Clinic
Classification: Uncertain significance. Last evaluated: 2023-11-21. Review status: criteria provided, single submitter. Criteria: ACMG Guidelines, 2015. Collection method: clinical testing. Allele origin: germline. Observed: 1 variant allele.
Comment: BP4

GeneDx
Classification: Uncertain significance. Last evaluated: 2019-05-21. Review status: criteria provided, single submitter. Criteria: GeneDx Variant Classification Process June 2021. Collection method: clinical testing. Allele origin: germline. Affected: yes.
Comment: Reported previously in an individual with benign paroxysmal torticollis and a family history of non-hemiplegic migraine; however, testing of other affected family members was not reported (Humbertclaude et al., 2018); Not observed at a significant frequency in large population cohorts (Lek et al., 2016); In-silico analysis, which includes splice predictors and evolutionary conservation, is inconclusive as to whether the variant alters gene splicing. In the absence of RNA/functional studies, the actual effect of this sequence change is unknown.; This variant is associated with the following publications: (PMID: 29926469)

Literature cited by the submitters: PubMed 29926469 (cited by Labcorp Genetics (formerly Invitae), Labcorp and Mayo Clinic Laboratories, Mayo Clinic); PubMed 17576681 (cited by Labcorp Genetics (formerly Invitae), Labcorp); PubMed 9536098 (cited by Labcorp Genetics (formerly Invitae), Labcorp); PubMed 33349592 (cited by Mayo Clinic Laboratories, Mayo Clinic).

NM_001127222.2(CACNA1A):c.6780+3G>C

Genes: CACNA1A (calcium voltage-gated channel subunit alpha1 A; minus strand), LOC130063717 (ATAC-STARR-seq lymphoblastoid silent region 10203; plus strand). Cytogenetic location: 19p13.13.
Variant type: single nucleotide variant.
Coding change: c.6780+3G>C on transcript NM_001127222.2 (MANE Select); 3 bases into the intron after coding-DNA position 6780, G replaced by C.
Molecular consequence: intron variant.
Genome position (GRCh38, 1-based): chr19:13,208,753, C>G on the plus strand (G>C on the coding strand, the complement: CACNA1A is on the minus strand). VCF-style: chr19-13208753-C-G. GRCh37 (hg19) VCF-style: chr19-13319567-C-G.
Other names: p.?; c.6783+3G>C (NM_001127221.2); c.6789+3G>C (NM_001174080.2); c.6798+3G>C (NM_000068.4, NM_023035.3).
Identifiers: ClinVar variation 645212 (VCV000645212.12), dbSNP rs1307510001, ClinGen allele CA631865473.
Genomic context (GRCh38, chr19:13,208,753, plus strand): 5'-CCCCTTCTCTCCTCCCCGCCTCCCGGCCGAGCCCAGCCTGGGGTCACTTGCAGCCGCACC[C>G]ACCTGCCGGTGCGCCATGTGCTCTCGGCCCTCGCTGGGCGAGCGGGACCAGCGCTGGTCC-3'